The following is an entry in ClinVar:

NM_001289125.3(IFNAR2):c.710-10T>A

Genes: IFNAR2 (interferon alpha and beta receptor subunit 2; plus strand), IFNAR2-IL10RB (IFNAR2-IL10RB readthrough; plus strand). Cytogenetic location: 21q22.11.
Variant type: single nucleotide variant.
Coding change: c.710-10T>A on transcript NM_001289125.3 (MANE Select); 10 bases into the intron before coding-DNA position 710, T replaced by A.
Molecular consequence: intron variant.
Genome position (GRCh38, 1-based): chr21:33,260,587, T>A. VCF-style: chr21-33260587-T-A. GRCh37 (hg19) VCF-style: chr21-34632892-T-A.
Other names: c.710-10T>A (NM_000874.5, NM_207584.3, NM_207585.3 and 1 more transcripts); c.710-2206T>A (NM_001289128.2, NM_001289126.2); c.710-1974T>A (NM_001385054.1).
Identifiers: ClinVar variation 1418151 (VCV001418151.4), dbSNP rs759923880, ClinGen allele CA10005769.
Genomic context (GRCh38, chr21:33,260,587, plus strand): 5'-TACATTTATTTCCATCTGCAATTGTTTATTGCATTTTTTGAAATAAAGTCATTTAATTTT[T>A]CATCAACAGAATCAGCAGAATCTGCCAAAATAGGAGGAATAATTACTGTGTTTTTGATAG-3'

ClinVar aggregate classification (germline): Uncertain significance (1 of 4 stars; one submission).

Allele frequency attached by ClinVar (database versions not stated): ExAC 0.00002; gnomAD exomes 0.00002 and 0.00006; gnomAD 0.00005; TOPMed 0.00006.
gnomAD v4.1: 93 of 1,576,624 alleles (0.0059%); highest among the groups gnomAD compares: Non-Finnish European, 0.0077%; no homozygotes.

Submission:

Labcorp Genetics (formerly Invitae), Labcorp
Classification: Uncertain significance. Last evaluated: 2025-01-30. Review status: criteria provided, single submitter. Criteria: Invitae Variant Classification Sherloc (09022015). Collection method: clinical testing. Allele origin: germline.
Comment: This sequence change falls in intron 7 of the IFNAR2 gene. It does not directly change the encoded amino acid sequence of the IFNAR2 protein. This variant is present in population databases (rs759923880, gnomAD 0.007%). This variant has not been reported in the literature in individuals affected with IFNAR2-related conditions. ClinVar contains an entry for this variant (Variation ID: 1418151). Algorithms developed to predict the effect of sequence changes on RNA splicing suggest that this variant may disrupt the consensus splice site. In summary, the available evidence is currently insufficient to determine the role of this variant in disease. Therefore, it has been classified as a Variant of Uncertain Significance.